The following is an entry in ClinVar:

NM_014363.6(SACS):c.2329T>C (p.Ser777Pro)

Gene: SACS (sacsin molecular chaperone; minus strand). Cytogenetic location: 13q12.12.
Variant type: single nucleotide variant.
Coding change: c.2329T>C on transcript NM_014363.6 (MANE Select); coding-DNA position 2329, T replaced by C.
Protein change: p.Ser777Pro; replaces serine 777 with proline.
Molecular consequence: missense variant.
Genome position (GRCh38, 1-based): chr13:23,341,547, A>G on the plus strand (T>C on the coding strand, the complement: SACS is on the minus strand). VCF-style: chr13-23341547-A-G. GRCh37 (hg19) VCF-style: chr13-23915686-A-G.
Other names: p.Ser777Pro; c.1888T>C, p.Ser630Pro (NM_001278055.2); short protein forms S630P, S777P.
Identifiers: ClinVar variation 1307754 (VCV001307754.12), dbSNP rs147837803, ClinGen allele CA6911708.

ClinVar aggregate classification (germline): Conflicting classifications of pathogenicity. Review status: criteria provided, conflicting classifications (1 of 4 stars). 3 submissions from 3 submitters: Uncertain significance (2); Benign (1). Last evaluated 2026-01-04.

Conditions:
Spastic paraplegia. Identifiers: MedGen C0037772, HP:0001258.

Allele frequency attached by ClinVar (database versions not stated): gnomAD exomes 0.00003; ExAC 0.00004; gnomAD 0.00012 and 0.00014; TOPMed 0.00016; ESP Exome Variant Server 0.00023.
gnomAD v4.1: 29 of 1,614,032 alleles (0.0018%); highest among the groups gnomAD compares: African/African-American, 0.037%; no homozygotes.

Submissions (3):

Labcorp Genetics (formerly Invitae), Labcorp
Classification: Benign for Spastic paraplegia. Last evaluated: 2026-01-04. Review status: criteria provided, single submitter. Criteria: Invitae Variant Classification Sherloc (09022015). Collection method: clinical testing. Allele origin: germline.

Mayo Clinic Laboratories, Mayo Clinic
Classification: Uncertain significance. Last evaluated: 2025-05-19. Review status: criteria provided, single submitter. Criteria: ACMG Guidelines, 2015. Collection method: clinical testing. Allele origin: germline. Observed: 1 variant allele.
Comment: BP4

GeneDx
Classification: Uncertain significance. Last evaluated: 2019-08-13. Review status: criteria provided, single submitter. Criteria: GeneDx Variant Classification Process June 2021. Collection method: clinical testing. Allele origin: germline. Affected: yes.
Comment: In silico analysis, which includes protein predictors and evolutionary conservation, supports that this variant does not alter protein structure/function; Has not been previously published as pathogenic or benign to our knowledge; This variant is associated with the following publications: (PMID: 31692161)

Literature cited by the submitters: PubMed 31692161 (cited by Mayo Clinic Laboratories, Mayo Clinic).